The following is an entry in ClinVar:

ClinVar aggregate classification (germline): Likely benign. Review status: criteria provided, single submitter (1 of 4 stars). 2 submissions from 2 submitters: Likely benign (1). 1 of the submissions does not count toward it. Last evaluated 2025-08-10.

Conditions:
MYH9-related disorder. Identifiers: MedGen C1854520.

Allele frequency attached by ClinVar (database versions not stated): ExAC 0.00002.
gnomAD v4.1: 18 of 1,612,658 alleles (0.0011%); highest among the groups gnomAD compares: East Asian, 0.0067%; no homozygotes.

Submissions (2):

Labcorp Genetics (formerly Invitae), Labcorp
Classification: Likely benign. Last evaluated: 2025-08-10. Review status: criteria provided, single submitter. Criteria: Invitae Variant Classification Sherloc (09022015). Collection method: clinical testing. Allele origin: germline.

PreventionGenetics, part of Exact Sciences
Classification: Likely benign for MYH9-related condition. Last evaluated: 2022-12-20. Review status: no assertion criteria provided. Collection method: clinical testing. Allele origin: germline. Not counted in ClinVar's aggregate classification.
Comment: This variant is classified as likely benign based on ACMG/AMP sequence variant interpretation guidelines (Richards et al. 2015 PMID: 25741868, with internal and published modifications).

NM_002473.6(MYH9):c.3943-8G>A

Gene: MYH9 (myosin heavy chain 9; minus strand). Cytogenetic location: 22q12.3.
Variant type: single nucleotide variant.
Coding change: c.3943-8G>A on transcript NM_002473.6 (MANE Select); 8 bases into the intron before coding-DNA position 3943, G replaced by A.
Molecular consequence: intron variant.
Genome position (GRCh38, 1-based): chr22:36,293,489, C>T on the plus strand (G>A on the coding strand, the complement: MYH9 is on the minus strand). VCF-style: chr22-36293489-C-T. GRCh37 (hg19) VCF-style: chr22-36689535-C-T.
Identifiers: ClinVar variation 3046104 (VCV003046104.3), dbSNP rs760886457, ClinGen allele CA10209495.
Genomic context (GRCh38, chr22:36,293,489, plus strand): 5'-TTGAGCTTGGTGCTCAGGCTCAGCTTCTGCCGGTTCTCCTCCTGCAGCAGCTCCTACTCG[C>T]GGGTTGAGAGGGGTGCGGGTGCTTAGGAGGGTGGTGTCCAAAACCCAGGAACCCCACACC-3'